The following is an entry in ClinVar:

NM_015443.4(KANSL1):c.619A>G (p.Asn207Asp)

Gene: KANSL1 (KAT8 regulatory NSL complex subunit 1). Cytogenetic location: 17q21.31.
Variant type: single nucleotide variant.
Coding change: c.619A>G on transcript NM_015443.4 (MANE Select); coding-DNA position 619, A replaced by G.
Protein change: p.Asn207Asp; replaces asparagine 207 with aspartic acid.
Molecular consequence: missense variant.
Genome position (GRCh38, 1-based): chr17:46,171,525, T>C on the plus strand (A>G on the coding strand, the complement: KANSL1 is on the minus strand). VCF-style: chr17-46171525-T-C. GRCh37 (hg19) VCF-style: chr17-44248891-T-C.
Other names: c.619A>G, p.Asn207Asp (NM_001193465.2, NM_001193466.2, NM_001379198.1); short protein forms N207D.
Identifiers: ClinVar variation 385571 (VCV000385571.9), dbSNP rs372601814, ClinGen allele CA8619013.

ClinVar aggregate classification (germline): Conflicting classifications of pathogenicity. Review status: criteria provided, conflicting classifications (1 of 4 stars). 3 submissions from 3 submitters: Uncertain significance (2); Likely benign (1). Last evaluated 2024-03-04.

Conditions:
Inborn genetic diseases. Identifiers: MedGen C0950123, MeSH D030342.
Koolen-de Vries syndrome (KDVS). Identifiers: Orphanet 96169, MedGen C1864871, MONDO:0012496, OMIM 610443.

Allele frequency attached by ClinVar (database versions not stated): gnomAD exomes below 0.00001 and 0.00001; ExAC 0.00001; gnomAD 0.00006 and 0.00007; TOPMed 0.00006; ESP Exome Variant Server 0.00008.
gnomAD v4.1: 14 of 1,613,726 alleles (0.00087%); highest among the groups gnomAD compares: African/African-American, 0.016%; no homozygotes.

Submissions (3):

Labcorp Genetics (formerly Invitae), Labcorp
Classification: Uncertain significance for Koolen-de Vries syndrome. Last evaluated: 2024-03-04. Review status: criteria provided, single submitter. Criteria: Invitae Variant Classification Sherloc (09022015). Collection method: clinical testing. Allele origin: germline.
Comment: Due to the possible presence of a polymorphic segmental duplication, the location of the variant could not be unambiguously resolved. Variants with ambiguous mapping are still reported relative to the KANSL1 transcript. This sequence change replaces asparagine, which is neutral and polar, with aspartic acid, which is acidic and polar, at codon 207 of the KANSL1 protein (p.Asn207Asp). The frequency data for this variant in the population databases (gnomAD) is considered unreliable due to the presence of homologous sequence, such as pseudogenes or paralogs, in the genome. This variant has not been reported in the literature in individuals with KANSL1-related conditions. ClinVar contains an entry for this variant (Variation ID: 385571). Advanced modeling of protein sequence and biophysical properties (such as structural, functional, and spatial information, amino acid conservation, physicochemical variation, residue mobility, and thermodynamic stability) performed at Invitae indicates that this missense variant is not expected to disrupt KANSL1 protein function with a negative predictive value of 80%. Until the location of this sequence change can be resolved, the clinical significance of this variant remains uncertain. It has been classified as a Variant of Uncertain Significance.

Ambry Genetics
Classification: Uncertain significance for Inborn genetic diseases. Last evaluated: 2021-08-17. Review status: criteria provided, single submitter. Criteria: Ambry Variant Classification Scheme 2023. Collection method: clinical testing. Allele origin: germline.

GeneDx
Classification: Likely benign. Last evaluated: 2016-04-27. Review status: criteria provided, single submitter. Criteria: GeneDx Variant Classification (06012015). Collection method: clinical testing. Allele origin: germline. Affected: yes.
Comment: This variant is considered likely benign or benign based on one or more of the following criteria: it is a conservative change, it occurs at a poorly conserved position in the protein, it is predicted to be benign by multiple in silico algorithms, and/or has population frequency not consistent with disease.